The following is an entry in ClinVar:

ClinVar aggregate classification (germline): Uncertain significance (1 of 4 stars; one submission).

Conditions:
Hajdu-Cheney syndrome (HJCYS). Also called: SERPENTINE FIBULA-POLYCYSTIC KIDNEY SYNDROME; Acroosteolysis dominant type; ACROOSTEOLYSIS WITH OSTEOPOROSIS AND CHANGES IN SKULL AND MANDIBLE. Identifiers: Orphanet 955, MedGen C0917715, MONDO:0007057, OMIM 102500.

Submission:

Labcorp Genetics (formerly Invitae), Labcorp
Classification: Uncertain significance for Hajdu-Cheney syndrome. Last evaluated: 2025-06-23. Review status: criteria provided, single submitter. Criteria: Invitae Variant Classification Sherloc (09022015). Collection method: clinical testing. Allele origin: germline.
Comment: This sequence change replaces valine, which is neutral and non-polar, with glycine, which is neutral and non-polar, at codon 1960 of the NOTCH2 protein (p.Val1960Gly). This variant is not present in population databases (gnomAD no frequency). This variant has not been reported in the literature in individuals affected with NOTCH2-related conditions. Invitae Evidence Modeling of protein sequence and biophysical properties (such as structural, functional, and spatial information, amino acid conservation, physicochemical variation, residue mobility, and thermodynamic stability) indicates that this missense variant is not expected to disrupt NOTCH2 protein function with a negative predictive value of 80%. In summary, the available evidence is currently insufficient to determine the role of this variant in disease. Therefore, it has been classified as a Variant of Uncertain Significance.

NM_024408.4(NOTCH2):c.5879T>G (p.Val1960Gly)

Gene: NOTCH2 (notch receptor 2; minus strand). Cytogenetic location: 1p12.
Variant type: single nucleotide variant.
Coding change: c.5879T>G on transcript NM_024408.4 (MANE Select); coding-DNA position 5879, T replaced by G.
Protein change: p.Val1960Gly; replaces valine 1960 with glycine.
Molecular consequence: missense variant.
Genome position (GRCh38, 1-based): chr1:119,918,456, A>C on the plus strand (T>G on the coding strand, the complement: NOTCH2 is on the minus strand). VCF-style: chr1-119918456-A-C. GRCh37 (hg19) VCF-style: chr1-120461079-A-C.
Other names: short protein forms V1960G.
Identifiers: ClinVar variation 4744809 (VCV004744809.1).